The following is an entry in ClinVar:

ClinVar aggregate classification (germline): Pathogenic/Likely pathogenic. Review status: criteria provided, multiple submitters, no conflicts (2 of 4 stars). 2 submissions from 2 submitters: Pathogenic (1); Likely pathogenic (1). Last evaluated 2022-11-28.

Conditions:
CRB1-related disorder. Also called: CRB1-related condition; CRB1-related disorders.
Leber congenital amaurosis 8 (LCA8). Identifiers: Orphanet 65, MedGen C3151202, MONDO:0013453, OMIM 613835.
Retinitis pigmentosa 12 (RP12). Also called: RP WITH OR WITHOUT PPRPE; RP WITH OR WITHOUT PRESERVED PARAARTERIOLE RETINAL PIGMENT EPITHELIUM; RETINITIS PIGMENTOSA WITH OR WITHOUT PARAARTERIOLAR PRESERVATION OF RETINAL PIGMENT EPITHELIUM. Identifiers: Orphanet 791, MedGen C1838647, MONDO:0010818, OMIM 600105.

Submissions (2):

Labcorp Genetics (formerly Invitae), Labcorp
Classification: Pathogenic for Leber congenital amaurosis 8; Retinitis pigmentosa 12. Last evaluated: 2022-11-28. Review status: criteria provided, single submitter. Criteria: Invitae Variant Classification Sherloc (09022015). Collection method: clinical testing. Allele origin: germline.
Comment: For these reasons, this variant has been classified as Pathogenic. This variant has not been reported in the literature in individuals affected with CRB1-related conditions. This variant is not present in population databases (gnomAD no frequency). This sequence change creates a premature translational stop signal (p.Cys248Serfs*54) in the CRB1 gene. It is expected to result in an absent or disrupted protein product. Loss-of-function variants in CRB1 are known to be pathogenic (PMID: 10508521, 22065545, 23379534, 25412400, 26957898, 28041643, 29391521).

Blueprint Genetics
Classification: Likely pathogenic for CRB1-related disorders. Last evaluated: 2019-06-17. Review status: criteria provided, single submitter. Criteria: ACMG Guidelines, 2015. Collection method: clinical testing. Allele origin: germline. Affected: yes. Observed: 1 variant allele.

Literature cited by the submitters: PubMed 10508521 (cited by Labcorp Genetics (formerly Invitae), Labcorp); PubMed 22065545 (cited by Labcorp Genetics (formerly Invitae), Labcorp); PubMed 23379534 (cited by Labcorp Genetics (formerly Invitae), Labcorp); PubMed 25412400 (cited by Labcorp Genetics (formerly Invitae), Labcorp); PubMed 26957898 (cited by Labcorp Genetics (formerly Invitae), Labcorp); PubMed 28041643 (cited by Labcorp Genetics (formerly Invitae), Labcorp); PubMed 29391521 (cited by Labcorp Genetics (formerly Invitae), Labcorp).

NM_201253.3(CRB1):c.743del (p.Cys248fs)

Gene: CRB1 (crumbs cell polarity complex component 1; plus strand). Cytogenetic location: 1q31.3.
Variant type: Deletion.
Coding change: c.743del on transcript NM_201253.3 (MANE Select); coding-DNA position 743, one base deleted (G; older notation c.743delG).
Protein change: p.Cys248fs; shifts the reading frame from cysteine 248.
Molecular consequence: frameshift variant. On other transcripts: non-coding transcript variant (2), intron variant (1).
Genome position (GRCh38, 1-based): chr1:197,344,371, G deleted. VCF-style (leftmost placement, unchanged base first): chr1-197344370-TG-T. GRCh37 (hg19) VCF-style: chr1-197313500-TG-T.
Other names: c.536del, p.Cys179fs (NM_001257965.2); c.743del, p.Cys248fs (NM_001257966.2); c.653-12460del (NM_001193640.2); short protein forms C248fs, C179fs.
Identifiers: ClinVar variation 2131265 (VCV002131265.5), dbSNP rs2527625515, ClinGen allele CA2580061810.